The following is an entry in ClinVar:

NM_001374385.1(ATP8B1):c.*1553T>G

Genes: ATP8B1-AS1 (ATP8B1 antisense RNA 1; plus strand), ATP8B1 (ATPase phospholipid transporting 8B1; minus strand). Cytogenetic location: 18q21.31.
Variant type: single nucleotide variant.
Coding change: c.*1553T>G on transcript NM_001374385.1 (MANE Select); 1553 bases downstream of the stop codon, T replaced by G.
Molecular consequence: 3 prime UTR variant.
Genome position (GRCh38, 1-based): chr18:57,646,935, A>C on the plus strand (T>G on the coding strand, the complement: ATP8B1 is on the minus strand). VCF-style: chr18-57646935-A-C. GRCh37 (hg19) VCF-style: chr18-55314167-A-C.
Other names: c.*1553T>G (NM_001374386.1, NM_005603.6).
Identifiers: ClinVar variation 327442 (VCV000327442.5), dbSNP rs559805305, ClinGen allele CA10641869.
Genomic context (GRCh38, chr18:57,646,935, plus strand): 5'-TTCTCGAACTATGGAAACTAGTGTGTGAAAGACACAGAATGAGAAAAATGTCTGGAAAAA[A>C]ATTACTTTCTCCTCTTTGAGGAGTTTCCATAATTACCTAAAGTTATCTTCAAATTTAAAA-3'

ClinVar aggregate classification (germline): Likely benign (1 of 4 stars; one submission).

Conditions:
Progressive familial intrahepatic cholestasis type 1. Also called: BYLER DISEASE; Byler's disease; Severe ATP8B1 Deficiency (Progressive Familial Intrahepatic Cholestasis Type 1 [PFIC1]). Identifiers: Orphanet 79306, MedGen C4551898, MONDO:0008892, OMIM 211600.

Allele frequency attached by ClinVar (database versions not stated): gnomAD 0.00004 and 0.00038; TOPMed 0.00007; 1000 Genomes Project 0.00200; 1000 Genomes Project 30x 0.00203.

Submission:

Illumina Laboratory Services, Illumina
Classification: Likely benign for Progressive familial intrahepatic cholestasis type 1. Last evaluated: 2018-01-12. Review status: criteria provided, single submitter. Criteria: ICSL Variant Classification Criteria 13 December 2019. Collection method: clinical testing. Allele origin: germline.
Comment: This variant was observed in the ICSL laboratory as part of a predisposition screen in an ostensibly healthy population. It had not been previously curated by ICSL or reported in the Human Gene Mutation Database (HGMD: prior to June 1st, 2018), and was therefore a candidate for classification through an automated scoring system. Utilizing variant allele frequency, disease prevalence and penetrance estimates, and inheritance mode, an automated score was calculated to assess if this variant is too frequent to cause the disease. Based on the score and internal cut-off values, a variant classified as likely benign is not then subjected to further curation. The score for this variant resulted in a classification of likely benign for this disease.